The following is an entry in ClinVar:

ClinVar aggregate classification (germline): Uncertain significance. Review status: criteria provided, multiple submitters, no conflicts (2 of 4 stars). 2 submissions from 2 submitters: Uncertain significance (2). Last evaluated 2025-09-02.

Allele frequency attached by ClinVar (database versions not stated): gnomAD exomes 0.00001; TOPMed 0.00001; ExAC 0.00002.
gnomAD v4.1: 13 of 1,613,998 alleles (0.00081%); highest among the groups gnomAD compares: East Asian, 0.0067%; no homozygotes.

Submissions (2):

Labcorp Genetics (formerly Invitae), Labcorp
Classification: Uncertain significance. Last evaluated: 2025-09-02. Review status: criteria provided, single submitter. Criteria: Invitae Variant Classification Sherloc (09022015). Collection method: clinical testing. Allele origin: germline.
Comment: This sequence change replaces valine, which is neutral and non-polar, with isoleucine, which is neutral and non-polar, at codon 193 of the DNAJC17 protein (p.Val193Ile). This variant is present in population databases (rs761259111, gnomAD 0.01%). This variant has not been reported in the literature in individuals affected with DNAJC17-related conditions. ClinVar contains an entry for this variant (Variation ID: 2191015). An algorithm developed to predict the effect of missense changes on protein structure and function outputs the following: PolyPhen-2: "Benign". The isoleucine amino acid residue is found in multiple mammalian species, which suggests that this missense change does not adversely affect protein function. In summary, the available evidence is currently insufficient to determine the role of this variant in disease. Therefore, it has been classified as a Variant of Uncertain Significance.

Ambry Genetics
Classification: Uncertain significance. Last evaluated: 2025-08-12. Review status: criteria provided, single submitter. Criteria: Ambry Variant Classification Scheme 2023. Collection method: clinical testing. Allele origin: germline.

NM_018163.3(DNAJC17):c.577G>A (p.Val193Ile)

Gene: DNAJC17 (DnaJ heat shock protein family (Hsp40) member C17; minus strand). Cytogenetic location: 15q15.1.
Variant type: single nucleotide variant.
Coding change: c.577G>A on transcript NM_018163.3 (MANE Select); coding-DNA position 577, G replaced by A.
Protein change: p.Val193Ile; replaces valine 193 with isoleucine.
Molecular consequence: missense variant.
Genome position (GRCh38, 1-based): chr15:40,775,054, C>T on the plus strand (G>A on the coding strand, the complement: DNAJC17 is on the minus strand). VCF-style: chr15-40775054-C-T. GRCh37 (hg19) VCF-style: chr15-41067252-C-T.
Other names: c.577G>A (NM_018163.2); short protein forms V193I.
Identifiers: ClinVar variation 2191015 (VCV002191015.5), dbSNP rs761259111, ClinGen allele CA7485089.